The following is an entry in ClinVar:

ClinVar aggregate classification (germline): Uncertain significance (1 of 4 stars; one submission).

Allele frequency attached by ClinVar (database versions not stated): gnomAD exomes 0.00002; ExAC 0.00003.
gnomAD v4.1: 8 of 1,613,792 alleles (0.0005%); highest among the groups gnomAD compares: Non-Finnish European, 0.00068%; no homozygotes.

Submission:

GeneDx
Classification: Uncertain significance. Last evaluated: 2019-06-12. Review status: criteria provided, single submitter. Criteria: GeneDx Variant Classification Process June 2021. Collection method: clinical testing. Allele origin: germline. Affected: yes.
Comment: In silico analysis, which includes protein predictors and evolutionary conservation, supports that this variant does not alter protein structure/function; Has not been previously published as pathogenic or benign to our knowledge

NM_024753.5(TTC21B):c.344G>C (p.Gly115Ala)

Genes: TTC21B (tetratricopeptide repeat domain 21B; minus strand), TTC21B-AS1 (TTC21B antisense RNA 1; plus strand). Cytogenetic location: 2q24.3.
Variant type: single nucleotide variant.
Coding change: c.344G>C on transcript NM_024753.5 (MANE Select); coding-DNA position 344, G replaced by C.
Protein change: p.Gly115Ala; replaces glycine 115 with alanine.
Molecular consequence: missense variant.
Genome position (GRCh38, 1-based): chr2:165,945,609, C>G on the plus strand (G>C on the coding strand, the complement: TTC21B is on the minus strand). VCF-style: chr2-165945609-C-G. GRCh37 (hg19) VCF-style: chr2-166802119-C-G.
Other names: short protein forms G115A.
Identifiers: ClinVar variation 1306448 (VCV001306448.2), dbSNP rs750987248, ClinGen allele CA1942471.